The following is an entry in ClinVar:

ClinVar aggregate classification (germline): Uncertain significance (1 of 4 stars; one submission).

Conditions:
Oculofaciocardiodental syndrome (MCOPS2). Identifiers: Orphanet 2712, MedGen C1846265, MONDO:0010261, OMIM 300166.

Allele frequency attached by ClinVar (database versions not stated): gnomAD exomes below 0.00001; TOPMed 0.00001; gnomAD 0.00002.
gnomAD v4.1: 4 of 1,211,854 alleles (0.00033%); highest among the groups gnomAD compares: Admixed American, 0.0043%; no homozygotes.

Submission:

Labcorp Genetics (formerly Invitae), Labcorp
Classification: Uncertain significance for Oculofaciocardiodental syndrome. Last evaluated: 2025-04-03. Review status: criteria provided, single submitter. Criteria: Invitae Variant Classification Sherloc (09022015). Collection method: clinical testing. Allele origin: germline.
Comment: This sequence change replaces tryptophan, which is neutral and slightly polar, with serine, which is neutral and polar, at codon 534 of the BCOR protein (p.Trp534Ser). This variant is not present in population databases (gnomAD no frequency). This variant has not been reported in the literature in individuals affected with BCOR-related conditions. ClinVar contains an entry for this variant (Variation ID: 852770). An algorithm developed to predict the effect of missense changes on protein structure and function (PolyPhen-2) suggests that this variant is likely to be disruptive. In summary, the available evidence is currently insufficient to determine the role of this variant in disease. Therefore, it has been classified as a Variant of Uncertain Significance.

NM_001123385.2(BCOR):c.1601G>C (p.Trp534Ser)

Genes: BCOR (BCL6 corepressor; minus strand), LOC126863239 (MED14-independent group 3 enhancer GRCh37_chrX:39932994-39934193; plus strand). Cytogenetic location: Xp11.4.
Variant type: single nucleotide variant.
Coding change: c.1601G>C on transcript NM_001123385.2 (MANE Select); coding-DNA position 1601, G replaced by C.
Protein change: p.Trp534Ser; replaces tryptophan 534 with serine.
Molecular consequence: missense variant.
Genome position (GRCh38, 1-based): chrX:40,073,745, C>G on the plus strand (G>C on the coding strand, the complement: BCOR is on the minus strand). VCF-style: chrX-40073745-C-G. GRCh37 (hg19) VCF-style: chrX-39932998-C-G.
Other names: c.1601G>C, p.Trp534Ser (NM_001123383.2, NM_001123384.2, NM_017745.6); short protein forms W534S.
Identifiers: ClinVar variation 852770 (VCV000852770.9), dbSNP rs1407822292, ClinGen allele CA412746087.